The following is an entry in ClinVar:

NM_004336.5(BUB1):c.947A>T (p.Glu316Val)

Gene: BUB1 (BUB1 mitotic checkpoint serine/threonine kinase; minus strand). Cytogenetic location: 2q13.
Variant type: single nucleotide variant.
Coding change: c.947A>T on transcript NM_004336.5 (MANE Select); coding-DNA position 947, A replaced by T.
Protein change: p.Glu316Val; replaces glutamic acid 316 with valine.
Molecular consequence: missense variant.
Genome position (GRCh38, 1-based): chr2:110,666,273, T>A on the plus strand (A>T on the coding strand, the complement: BUB1 is on the minus strand). VCF-style: chr2-110666273-T-A. GRCh37 (hg19) VCF-style: chr2-111423850-T-A.
Other names: c.887A>T, p.Glu296Val (NM_001278616.2); c.947A>T, p.Glu316Val (NM_001278617.2); short protein forms E296V, E316V.
Identifiers: ClinVar variation 3631213 (VCV003631213.2).

ClinVar aggregate classification (germline): Uncertain significance (1 of 4 stars; one submission).

gnomAD v4.1: 14 of 1,436,586 alleles (0.00097%); highest among the groups gnomAD compares: Middle Eastern, 0.055%; no homozygotes.

Submission:

Labcorp Genetics (formerly Invitae), Labcorp
Classification: Uncertain significance. Last evaluated: 2024-10-15. Review status: criteria provided, single submitter. Criteria: Invitae Variant Classification Sherloc (09022015). Collection method: clinical testing. Allele origin: germline.
Comment: This sequence change replaces glutamic acid, which is acidic and polar, with valine, which is neutral and non-polar, at codon 316 of the BUB1 protein (p.Glu316Val). This variant is present in population databases (rs766345681, gnomAD 0.004%). This variant has not been reported in the literature in individuals affected with BUB1-related conditions. Experimental studies and prediction algorithms are not available or were not evaluated, and the functional significance of this variant is currently unknown. Algorithms developed to predict the effect of sequence changes on RNA splicing suggest that this variant may disrupt the consensus splice site. In summary, the available evidence is currently insufficient to determine the role of this variant in disease. Therefore, it has been classified as a Variant of Uncertain Significance.